The following is an entry in ClinVar:

NM_000245.4(MET):c.2397C>T (p.Ile799=)

Gene: MET (MET proto-oncogene, receptor tyrosine kinase; plus strand). Cytogenetic location: 7q31.2.
Variant type: single nucleotide variant.
Coding change: c.2397C>T on transcript NM_000245.4 (MANE Select); coding-DNA position 2397, C replaced by T.
Protein change: p.Ile799=; no amino-acid change (isoleucine 799 retained).
Molecular consequence: synonymous variant.
Genome position (GRCh38, 1-based): chr7:116,763,082, C>T. VCF-style: chr7-116763082-C-T. GRCh37 (hg19) VCF-style: chr7-116403136-C-T.
Other names: c.2451C>T, p.Ile817= (NM_001127500.3); c.2397C>T, p.Ile799= (NM_001324401.3); c.1107C>T, p.Ile369= (NM_001324402.2).
Identifiers: ClinVar variation 668528 (VCV000668528.3), dbSNP rs1584946843, ClinGen allele CA457441648.

ClinVar aggregate classification (germline): Benign/Likely benign. Review status: criteria provided, multiple submitters, no conflicts (2 of 4 stars). 3 submissions from 3 submitters: Benign (1); Likely benign (2). Last evaluated 2026-07-21.

Conditions:
Hereditary cancer-predisposing syndrome. Also called: Neoplastic Syndromes, Hereditary; Hereditary Cancer Syndrome; Hereditary neoplastic syndrome; Tumor predisposition. Identifiers: Orphanet 140162, MedGen C0027672, MeSH D009386, MONDO:0015356.
Papillary renal cell carcinoma type 1 (RCCP1). Also called: Renal adenocarcinoma; Renal cell carcinoma 1; Renal cell carcinoma, somatic; RENAL CELL CARCINOMA, PAPILLARY, 1, SOMATIC. Identifiers: Orphanet 47044, MedGen C1336839, OMIM 605074, HP:0011797.

Submissions (3):

Ambry Genetics
Classification: Likely benign for Hereditary cancer-predisposing syndrome. Last evaluated: 2026-07-21. Review status: criteria provided, single submitter. Criteria: Ambry Variant Classification Scheme 2023. Collection method: clinical testing. Allele origin: germline.

Myriad Genetics, Inc.
Classification: Benign for Papillary renal cell carcinoma type 1. Last evaluated: 2024-11-11. Review status: criteria provided, single submitter. Criteria: Myriad Autosomal Dominant, Autosomal Recessive and X-Linked Classification Criteria (2023). Collection method: clinical testing. Allele origin: unknown.
Comment: This variant is considered benign. This variant is a silent/synonymous amino acid change and it is not expected to impact splicing.

GeneDx
Classification: Likely benign. Last evaluated: 2018-05-15. Review status: criteria provided, single submitter. Criteria: GeneDx Variant Classification (06012015). Collection method: clinical testing. Allele origin: germline. Affected: yes.
Comment: This variant is considered likely benign or benign based on one or more of the following criteria: it is a conservative change, it occurs at a poorly conserved position in the protein, it is predicted to be benign by multiple in silico algorithms, and/or has population frequency not consistent with disease.